The following is an entry in ClinVar:

NM_001378457.1(DMXL2):c.7391A>C (p.Lys2464Thr)

Gene: DMXL2 (Dmx like 2; minus strand). Cytogenetic location: 15q21.2.
Variant type: single nucleotide variant.
Coding change: c.7391A>C on transcript NM_001378457.1 (MANE Select); coding-DNA position 7391, A replaced by C.
Protein change: p.Lys2464Thr; replaces lysine 2464 with threonine.
Molecular consequence: missense variant. On other transcripts: non-coding transcript variant (2).
Genome position (GRCh38, 1-based): chr15:51,471,224, T>G on the plus strand (A>C on the coding strand, the complement: DMXL2 is on the minus strand). VCF-style: chr15-51471224-T-G. GRCh37 (hg19) VCF-style: chr15-51763421-T-G.
Other names: c.7391A>C, p.Lys2464Thr (NM_001174116.3, NM_001378459.1, NM_001378461.1 and 1 more transcripts); c.5480A>C, p.Lys1827Thr (NM_001174117.3); c.7388A>C, p.Lys2463Thr (NM_001378458.1, NM_001378462.1, NM_015263.5); c.5369A>C, p.Lys1790Thr (NM_001378460.1); c.7148A>C, p.Lys2383Thr (NM_001378464.1); short protein forms K1790T, K1827T, K2383T, K2463T, K2464T.
Identifiers: ClinVar variation 2104102 (VCV002104102.4), dbSNP rs2548416259, ClinGen allele CA392439964.

ClinVar aggregate classification (germline): Uncertain significance (1 of 4 stars; one submission).

Submission:

Labcorp Genetics (formerly Invitae), Labcorp
Classification: Uncertain significance. Last evaluated: 2022-10-17. Review status: criteria provided, single submitter. Criteria: Invitae Variant Classification Sherloc (09022015). Collection method: clinical testing. Allele origin: germline.
Comment: This sequence change replaces lysine, which is basic and polar, with threonine, which is neutral and polar, at codon 2464 of the DMXL2 protein (p.Lys2464Thr). This variant is not present in population databases (gnomAD no frequency). This variant has not been reported in the literature in individuals affected with DMXL2-related conditions. Algorithms developed to predict the effect of missense changes on protein structure and function are either unavailable or do not agree on the potential impact of this missense change (SIFT: "Deleterious"; PolyPhen-2: "Probably Damaging"; Align-GVGD: "Class C0"). Algorithms developed to predict the effect of sequence changes on RNA splicing suggest that this variant may disrupt the consensus splice site. In summary, the available evidence is currently insufficient to determine the role of this variant in disease. Therefore, it has been classified as a Variant of Uncertain Significance.